The following is an entry in ClinVar:

ClinVar aggregate classification (germline): Uncertain significance. Review status: criteria provided, multiple submitters, no conflicts (2 of 4 stars). 4 submissions from 4 submitters: Uncertain significance (3). 1 of the submissions does not count toward it. Last evaluated 2025-11-19.

Conditions:
Hereditary cancer-predisposing syndrome. Also called: Neoplastic Syndromes, Hereditary; Tumor predisposition; Hereditary Cancer Syndrome; Hereditary neoplastic syndrome. Identifiers: Orphanet 140162, MedGen C0027672, MeSH D009386, MONDO:0015356.
Hereditary breast ovarian cancer syndrome. Also called: Hereditary breast and ovarian cancer syndrome; Hereditary breast and ovarian cancer; Hereditary breast and ovarian cancer syndrome (HBOC); Breast and ovarian cancer; Hereditary breast and/or ovarian cancer syndrome; BRCA1- and BRCA2-Associated Hereditary Breast and Ovarian Cancer. Identifiers: Orphanet 145, MedGen C0677776, MeSH D061325, MONDO:0003582. Disease mechanism: loss of function.
Familial cancer of breast. Also called: BREAST CANCER, FAMILIAL; Hereditary breast cancer; hereditary breast carcinoma. Identifiers: Orphanet 227535, MedGen C0346153, MONDO:0016419, OMIM 114480. Disease mechanism: loss of function.

Submissions (4):

Labcorp Genetics (formerly Invitae), Labcorp
Classification: Uncertain significance for Hereditary breast ovarian cancer syndrome. Last evaluated: 2025-11-19. Review status: criteria provided, single submitter. Criteria: Invitae Variant Classification Sherloc (09022015). Collection method: clinical testing. Allele origin: germline.
Comment: This variant, c.8258_8260del, results in the deletion of 1 amino acid(s) of the BRCA2 protein (p.Leu2753del), but otherwise preserves the integrity of the reading frame. This variant is present in population databases (rs779336144, gnomAD 0.006%). This variant has been observed in individual(s) with clinical features of BRCA2-related conditions (PMID: 18424508). This variant is also known as c.8257_8259delCTT (p.Leu2753del). Experimental studies and prediction algorithms are not available or were not evaluated, and the functional significance of this variant is currently unknown. Studies have shown that this variant is associated with inconclusive levels of altered splicing (PMID: 18424508). In summary, the available evidence is currently insufficient to determine the role of this variant in disease. Therefore, it has been classified as a Variant of Uncertain Significance.

Baylor Genetics
Classification: Uncertain significance for Familial cancer of breast. Last evaluated: 2023-08-06. Review status: criteria provided, single submitter. Criteria: ACMG Guidelines, 2015. Collection method: clinical testing. Allele origin: unknown.

Ambry Genetics
Classification: Uncertain significance for Hereditary cancer-predisposing syndrome. Last evaluated: 2023-07-10. Review status: criteria provided, single submitter. Criteria: Ambry Variant Classification Scheme 2023. Collection method: clinical testing. Allele origin: germline.
Comment: The c.8258_8260delTTC variant (also known as p.L2753del) is located in coding exon 17 of the BRCA2 gene. This variant results from an in-frame deletion of TTC at nucleotide positions 8258 to 8260. This results in the in-frame deletion of a leucine at codon 2753. One group has reported that this alteration may have an impact on splicing, as the variant modified the alternative splicing of exon 18 (coding exon 17), however transcripts lacking this exon were also present in controls, therefore the clinical consequences of this finding could not be conclusively determined based on this study (Bonnet C et al. J. Med. Genet., 2008 Jul;45:438-46; Houdayer C et al. Hum. Mutat., 2012 Aug;33:1228-38). In silico splice site analysis predicts that this alteration will not have any significant effect on splicing. This nucleotide region is not well conserved in available vertebrate species. In addition, the in silico prediction for the single amino acid deletion resulting from this alteration is inconclusive (Choi Y et al. PLoS ONE. 2012; 7(10):e46688). Since supporting evidence is limited at this time, the clinical significance of this alteration remains unclear.

ClinVar Staff, National Center for Biotechnology Information (NCBI)
No classification provided. Condition: Familial cancer of breast. Review status: no classification provided. Collection method: literature only. Allele origin: germline. Affected: yes. Not counted in ClinVar's aggregate classification.

Literature cited by the submitters: PubMed 18424508 (cited by 3 submitters); PubMed 22505045 (cited by Ambry Genetics).

NM_000059.4(BRCA2):c.8255TTC[1] (p.Leu2753del)

Gene: BRCA2 (BRCA2 DNA repair associated; plus strand). Cytogenetic location: 13q13.1.
Variant type: Microsatellite.
Coding change: c.8255TTC[1] on transcript NM_000059.4 (MANE Select); one copy of the 3-base unit TTC starting at c.8255; the reference has two copies in a row; one copy, 3 bases deleted; also written c.8258_8260del.
Protein change: p.Leu2753del; deletes leucine 2753.
Molecular consequence: inframe deletion.
Genome position (GRCh38, 1-based): chr13:32,363,460-32,363,462, TTC deleted; deleting any 3 consecutive bases within chr13:32,363,457-32,363,462 gives the same sequence; the position shown is the placement nearest the transcript's 3' end. VCF-style (leftmost placement, unchanged base first): chr13-32363456-ATTC-A. GRCh37 (hg19) VCF-style: chr13-32937593-ATTC-A.
Other names: c.8258_8260delTTC (NM_000059.3); c.8258_8260del (NM_000059.4); short protein forms L2753del.
Identifiers: ClinVar variation 52539 (VCV000052539.11), dbSNP rs397507971, ClinGen allele CA025542.